The following is an entry in ClinVar:

ClinVar aggregate classification (germline): Uncertain significance (1 of 4 stars; one submission).

Allele frequency attached by ClinVar (database versions not stated): gnomAD exomes below 0.00001 and 0.00001; TOPMed below 0.00001.
gnomAD v4.1: 4 of 1,613,884 alleles (0.00025%); highest among the groups gnomAD compares: Non-Finnish European, 0.00034%; no homozygotes.

Submission:

Labcorp Genetics (formerly Invitae), Labcorp
Classification: Uncertain significance. Last evaluated: 2023-11-22. Review status: criteria provided, single submitter. Criteria: Invitae Variant Classification Sherloc (09022015). Collection method: clinical testing. Allele origin: germline.
Comment: This sequence change replaces glutamic acid, which is acidic and polar, with lysine, which is basic and polar, at codon 193 of the RELA protein (p.Glu193Lys). This variant is not present in population databases (gnomAD no frequency). This variant has not been reported in the literature in individuals affected with RELA-related conditions. ClinVar contains an entry for this variant (Variation ID: 1494631). An algorithm developed to predict the effect of missense changes on protein structure and function (PolyPhen-2) suggests that this variant is likely to be disruptive. In summary, the available evidence is currently insufficient to determine the role of this variant in disease. Therefore, it has been classified as a Variant of Uncertain Significance.

NM_021975.4(RELA):c.577G>A (p.Glu193Lys)

Gene: RELA (RELA proto-oncogene, NF-kB subunit; minus strand). Cytogenetic location: 11q13.1.
Variant type: single nucleotide variant.
Coding change: c.577G>A on transcript NM_021975.4 (MANE Select); coding-DNA position 577, G replaced by A.
Protein change: p.Glu193Lys; replaces glutamic acid 193 with lysine.
Molecular consequence: missense variant.
Genome position (GRCh38, 1-based): chr11:65,658,805, C>T on the plus strand (G>A on the coding strand, the complement: RELA is on the minus strand). VCF-style: chr11-65658805-C-T. GRCh37 (hg19) VCF-style: chr11-65426276-C-T.
Other names: c.568G>A, p.Glu190Lys (NM_001145138.2); c.577G>A, p.Glu193Lys (NM_001243984.2, NM_001243985.2); short protein forms E193K, E190K.
Identifiers: ClinVar variation 1494631 (VCV001494631.8), dbSNP rs1308599130, ClinGen allele CA381391945.